The following is an entry in ClinVar:

NM_000156.6(GAMT):c.89C>T (p.Ala30Val)

Genes: GAMT (guanidinoacetate N-methyltransferase; minus strand), LOC130062945 (ATAC-STARR-seq lymphoblastoid silent region 9707; plus strand). Cytogenetic location: 19p13.3.
Variant type: single nucleotide variant.
Coding change: c.89C>T on transcript NM_000156.6 (MANE Select); coding-DNA position 89, C replaced by T.
Protein change: p.Ala30Val; replaces alanine 30 with valine.
Molecular consequence: missense variant.
Genome position (GRCh38, 1-based): chr19:1,401,388, G>A on the plus strand (C>T on the coding strand, the complement: GAMT is on the minus strand). VCF-style: chr19-1401388-G-A. GRCh37 (hg19) VCF-style: chr19-1401387-G-A.
Other names: c.89C>T, p.Ala30Val (NM_138924.3); short protein forms A30V.
Identifiers: ClinVar variation 1944953 (VCV001944953.5), dbSNP rs1417856277, ClinGen allele CA402998216.

ClinVar aggregate classification (germline): Uncertain significance (1 of 4 stars; one submission).

Conditions:
Cerebral creatine deficiency syndrome. Also called: Creatine deficiency syndromes. Identifiers: Orphanet 79172, MedGen C5244016, MONDO:0000456.

Submission:

Labcorp Genetics (formerly Invitae), Labcorp
Classification: Uncertain significance for Cerebral creatine deficiency syndrome. Last evaluated: 2022-05-08. Review status: criteria provided, single submitter. Criteria: Invitae Variant Classification Sherloc (09022015). Collection method: clinical testing. Allele origin: germline.
Comment: Algorithms developed to predict the effect of missense changes on protein structure and function (SIFT, PolyPhen-2, Align-GVGD) all suggest that this variant is likely to be tolerated. This variant has not been reported in the literature in individuals affected with GAMT-related conditions. This variant is present in population databases (no rsID available, gnomAD 0.007%). This sequence change replaces alanine, which is neutral and non-polar, with valine, which is neutral and non-polar, at codon 30 of the GAMT protein (p.Ala30Val). In summary, the available evidence is currently insufficient to determine the role of this variant in disease. Therefore, it has been classified as a Variant of Uncertain Significance.